The following is an entry in ClinVar:

NM_016122.3(CEP83):c.469T>A (p.Phe157Ile)

Gene: CEP83 (centrosomal protein 83; minus strand). Cytogenetic location: 12q22.
Variant type: single nucleotide variant.
Coding change: c.469T>A on transcript NM_016122.3 (MANE Select); coding-DNA position 469, T replaced by A.
Protein change: p.Phe157Ile; replaces phenylalanine 157 with isoleucine.
Molecular consequence: missense variant. On other transcripts: non-coding transcript variant (3), intron variant (2).
Genome position (GRCh38, 1-based): chr12:94,400,930, A>T on the plus strand (T>A on the coding strand, the complement: CEP83 is on the minus strand). VCF-style: chr12-94400930-A-T. GRCh37 (hg19) VCF-style: chr12-94794706-A-T.
Other names: c.469T>A, p.Phe157Ile (NM_001042399.2, NM_001346457.2, NM_001346460.2 and 3 more transcripts); c.157T>A, p.Phe53Ile (NM_001346458.2, NM_001346459.2, NM_001346462.2 and 2 more transcripts); c.324+10767T>A (NM_001368041.1); c.12+10767T>A (NM_001368042.1); short protein forms F157I, F53I.
Identifiers: ClinVar variation 1017269 (VCV001017269.7), dbSNP rs768860397, ClinGen allele CA6721928.

ClinVar aggregate classification (germline): Uncertain significance (1 of 4 stars; one submission).

Conditions:
Nephronophthisis 18 (NPHP18). Identifiers: Orphanet 655, MedGen C3890591, MONDO:0014374, OMIM 615862.

Allele frequency attached by ClinVar (database versions not stated): gnomAD exomes below 0.00001; ExAC 0.00001.

Submission:

Labcorp Genetics (formerly Invitae), Labcorp
Classification: Uncertain significance for Nephronophthisis 18. Last evaluated: 2023-08-17. Review status: criteria provided, single submitter. Criteria: Invitae Variant Classification Sherloc (09022015). Collection method: clinical testing. Allele origin: germline.
Comment: In summary, the available evidence is currently insufficient to determine the role of this variant in disease. Therefore, it has been classified as a Variant of Uncertain Significance. Advanced modeling of protein sequence and biophysical properties (such as structural, functional, and spatial information, amino acid conservation, physicochemical variation, residue mobility, and thermodynamic stability) performed at Invitae indicates that this missense variant is not expected to disrupt CEP83 protein function. This sequence change replaces phenylalanine, which is neutral and non-polar, with isoleucine, which is neutral and non-polar, at codon 157 of the CEP83 protein (p.Phe157Ile). This variant is present in population databases (rs768860397, gnomAD 0.008%). This variant has not been reported in the literature in individuals affected with CEP83-related conditions. ClinVar contains an entry for this variant (Variation ID: 1017269).